The following is an entry in ClinVar:

ClinVar aggregate classification (germline): Uncertain significance (1 of 4 stars; one submission).

Submission:

Labcorp Genetics (formerly Invitae), Labcorp
Classification: Uncertain significance. Last evaluated: 2022-03-13. Review status: criteria provided, single submitter. Criteria: Invitae Variant Classification Sherloc (09022015). Collection method: clinical testing. Allele origin: germline.
Comment: This variant has not been reported in the literature in individuals affected with REEP6-related conditions. In summary, the available evidence is currently insufficient to determine the role of this variant in disease. Therefore, it has been classified as a Variant of Uncertain Significance. Experimental studies and prediction algorithms are not available or were not evaluated, and the functional significance of this variant is currently unknown. This variant is not present in population databases (gnomAD no frequency). This sequence change replaces tyrosine, which is neutral and polar, with cysteine, which is neutral and slightly polar, at codon 68 of the REEP6 protein (p.Tyr68Cys).

NM_138393.4(REEP6):c.203A>G (p.Tyr68Cys)

Gene: REEP6 (receptor accessory protein 6; plus strand). Cytogenetic location: 19p13.3.
Variant type: single nucleotide variant.
Coding change: c.203A>G on transcript NM_138393.4 (MANE Select); coding-DNA position 203, A replaced by G.
Protein change: p.Tyr68Cys; replaces tyrosine 68 with cysteine.
Molecular consequence: missense variant.
Genome position (GRCh38, 1-based): chr19:1,495,381, A>G. VCF-style: chr19-1495381-A-G. GRCh37 (hg19) VCF-style: chr19-1495380-A-G.
Other names: c.203A>G, p.Tyr68Cys (NM_001329556.3); short protein forms Y68C.
Identifiers: ClinVar variation 2000735 (VCV002000735.4), dbSNP rs2512805527, ClinGen allele CA403056534.